The following is an entry in ClinVar:

ClinVar aggregate classification (germline): Uncertain significance (1 of 4 stars; one submission).

Conditions:
Immunodeficiency, common variable, 10. Also called: DEFICIT IN ANTERIOR PITUITARY FUNCTION AND VARIABLE IMMUNODEFICIENCY; IMMUNODEFICIENCY, COMMON VARIABLE, WITH CENTRAL ADRENAL INSUFFICIENCY. Identifiers: MedGen C3809991, MONDO:0014260, OMIM 615577.

Submission:

Labcorp Genetics (formerly Invitae), Labcorp
Classification: Uncertain significance for Immunodeficiency, common variable, 10. Last evaluated: 2023-07-26. Review status: criteria provided, single submitter. Criteria: Invitae Variant Classification Sherloc (09022015). Collection method: clinical testing. Allele origin: germline.
Comment: This sequence change replaces arginine, which is basic and polar, with glutamine, which is neutral and polar, at codon 548 of the NFKB2 protein (p.Arg548Gln). Algorithms developed to predict the effect of sequence changes on RNA splicing suggest that this variant may create or strengthen a splice site. In summary, the available evidence is currently insufficient to determine the role of this variant in disease. Therefore, it has been classified as a Variant of Uncertain Significance. This variant is present in population databases (no rsID available, gnomAD 0.003%). This variant has not been reported in the literature in individuals affected with NFKB2-related conditions. Algorithms developed to predict the effect of missense changes on protein structure and function output the following: SIFT: "Not Available"; PolyPhen-2: "Benign"; Align-GVGD: "Not Available". The glutamine amino acid residue is found in multiple mammalian species, which suggests that this missense change does not adversely affect protein function.

NM_001322934.2(NFKB2):c.1643G>A (p.Arg548Gln)

Gene: NFKB2 (nuclear factor kappa B subunit 2; plus strand). Cytogenetic location: 10q24.32.
Variant type: single nucleotide variant.
Coding change: c.1643G>A on transcript NM_001322934.2 (MANE Select); coding-DNA position 1643, G replaced by A.
Protein change: p.Arg548Gln; replaces arginine 548 with glutamine.
Molecular consequence: missense variant.
Genome position (GRCh38, 1-based): chr10:102,400,336, G>A. VCF-style: chr10-102400336-G-A. GRCh37 (hg19) VCF-style: chr10-104160093-G-A.
Other names: c.1643G>A, p.Arg548Gln (NM_001077493.1, NM_001077494.3, NM_001261403.3 and 2 more transcripts); c.1517G>A, p.Arg506Gln (NM_001322935.1); short protein forms R506Q, R548Q.
Identifiers: ClinVar variation 2996432 (VCV002996432.3), dbSNP rs201353619, ClinGen allele CA377901672.
Genomic context (GRCh38, chr10:102,400,336, plus strand): 5'-AGACGCCCCTGCACCTGGCGGTGATCACGGGGCAGACGAGTGTGGTGAGCTTTCTGCTGC[G>A]GGTAGGTGCAGACCCAGCTCTGCTGGATCGGCATGGAGACTCAGCCATGCATCTGGCGCT-3'
Protein context (NP_001309863.1, residues 538-558): GQTSVVSFLL[Arg548Gln]VGADPALLDR